The following is an entry in ClinVar:

ClinVar aggregate classification (germline): Uncertain significance (1 of 4 stars; one submission).

Allele frequency attached by ClinVar (database versions not stated): gnomAD exomes below 0.00001; TOPMed below 0.00001; gnomAD 0.00001.
gnomAD v4.1: 6 of 1,605,676 alleles (0.00037%); highest among the groups gnomAD compares: Non-Finnish European, 0.00051%; no homozygotes.

Submission:

Labcorp Genetics (formerly Invitae), Labcorp
Classification: Uncertain significance. Last evaluated: 2022-06-28. Review status: criteria provided, single submitter. Criteria: Invitae Variant Classification Sherloc (09022015). Collection method: clinical testing. Allele origin: germline.
Comment: This sequence change affects an acceptor splice site in intron 3 of the CEP89 gene. It is expected to disrupt RNA splicing. Variants that disrupt the donor or acceptor splice site typically lead to a loss of protein function (PMID: 16199547), however the current clinical and genetic evidence is not sufficient to establish whether loss-of-function variants in CEP89 cause disease. This variant is present in population databases (no rsID available, gnomAD 0.002%). This variant has not been reported in the literature in individuals affected with CEP89-related conditions. Algorithms developed to predict the effect of sequence changes on RNA splicing suggest that this variant may disrupt the consensus splice site. In summary, the available evidence is currently insufficient to determine the role of this variant in disease. Therefore, it has been classified as a Variant of Uncertain Significance.

Literature cited by the submitters: PubMed 16199547.

NM_032816.5(CEP89):c.306-2A>G

Gene: CEP89 (centrosomal protein 89; minus strand). Cytogenetic location: 19q13.11.
Variant type: single nucleotide variant.
Coding change: c.306-2A>G on transcript NM_032816.5 (MANE Select); the canonical splice acceptor site of the intron before coding-DNA position 306, A replaced by G.
Molecular consequence: splice acceptor variant.
Genome position (GRCh38, 1-based): chr19:32,953,803, T>C on the plus strand (A>G on the coding strand, the complement: CEP89 is on the minus strand). VCF-style: chr19-32953803-T-C. GRCh37 (hg19) VCF-style: chr19-33444709-T-C.
Identifiers: ClinVar variation 1383956 (VCV001383956.6), dbSNP rs1268308501, ClinGen allele CA405195676.